The following is an entry in ClinVar:

NM_144670.6(A2ML1):c.3503-181G>A

Gene: A2ML1 (alpha-2-macroglobulin like 1; plus strand). Cytogenetic location: 12p13.31.
Variant type: single nucleotide variant.
Coding change: c.3503-181G>A on transcript NM_144670.6 (MANE Select); 181 bases into the intron before coding-DNA position 3503, G replaced by A.
Molecular consequence: intron variant.
Genome position (GRCh38, 1-based): chr12:8,863,613, G>A. VCF-style: chr12-8863613-G-A. GRCh37 (hg19) VCF-style: chr12-9016209-G-A.
Other names: c.2030-181G>A (NM_001282424.3).
Identifiers: ClinVar variation 561526 (VCV000561526.1), dbSNP rs7305103, ClinGen allele CA16435688.

ClinVar aggregate classification (germline): Benign (1 of 4 stars; one submission).

Allele frequency attached by ClinVar (database versions not stated): TOPMed 0.92993; 1000 Genomes Project 0.93151; gnomAD 0.93413 and 0.93868.
gnomAD v4.1: 142,834 of 152,068 alleles (94%); highest among the groups gnomAD compares: Non-Finnish European, 100%; 67,721 homozygotes.

Submission:

GeneDx
Classification: Benign. Last evaluated: 2018-06-14. Review status: criteria provided, single submitter. Criteria: GeneDx Variant Classification (06012015). Collection method: clinical testing. Allele origin: germline. Affected: yes.
Comment: This variant is considered likely benign or benign based on one or more of the following criteria: it is a conservative change, it occurs at a poorly conserved position in the protein, it is predicted to be benign by multiple in silico algorithms, and/or has population frequency not consistent with disease.